The following is an entry in ClinVar:

NM_000038.6(APC):c.5603A>T (p.Asp1868Val)

Gene: APC (APC regulator of Wnt signaling pathway; plus strand). Cytogenetic location: 5q22.2.
Variant type: single nucleotide variant.
Coding change: c.5603A>T on transcript NM_000038.6 (MANE Select); coding-DNA position 5603, A replaced by T.
Protein change: p.Asp1868Val; replaces aspartic acid 1868 with valine.
Molecular consequence: missense variant.
Genome position (GRCh38, 1-based): chr5:112,841,197, A>T. VCF-style: chr5-112841197-A-T. GRCh37 (hg19) VCF-style: chr5-112176894-A-T.
Other names: c.5603A>T, p.Asp1868Val (NM_001127510.3, NM_001354895.2); c.5549A>T, p.Asp1850Val (NM_001127511.3); c.5657A>T, p.Asp1886Val (NM_001354896.2); c.5633A>T, p.Asp1878Val (NM_001354897.2); c.5528A>T, p.Asp1843Val (NM_001354898.2); c.5519A>T, p.Asp1840Val (NM_001354899.2); c.5480A>T, p.Asp1827Val (NM_001354900.2); c.5426A>T, p.Asp1809Val (NM_001354901.2); and 5 more; short protein forms D1850V, D1868V, D1809V, D1585V, D1878V, D1708V, D1767V, D1777V.
Identifiers: ClinVar variation 482522 (VCV000482522.14), dbSNP rs781026376, ClinGen allele CA042350.

ClinVar aggregate classification (germline): Uncertain significance. Review status: criteria provided, multiple submitters, no conflicts (2 of 4 stars). 4 submissions from 4 submitters: Uncertain significance (4). Last evaluated 2023-12-05.

Conditions:
Familial adenomatous polyposis 1 (FAP1). Also called: FAMILIAL ADENOMATOUS POLYPOSIS 1, ATTENUATED; POLYPOSIS, ADENOMATOUS INTESTINAL. Identifiers: MedGen C2713442, MONDO:0021056, OMIM 175100. Disease mechanism: loss of function.
Hereditary cancer-predisposing syndrome. Also called: Neoplastic Syndromes, Hereditary; Tumor predisposition; Hereditary Cancer Syndrome; Hereditary neoplastic syndrome. Identifiers: Orphanet 140162, MedGen C0027672, MeSH D009386, MONDO:0015356.

Allele frequency attached by ClinVar (database versions not stated): ExAC 0.00001.
gnomAD v4.1: 1 of 1,613,766 alleles (0.000062%); highest among the groups gnomAD compares: South Asian, 0.0011%; no homozygotes.

Submissions (4):

Color Diagnostics, LLC DBA Color Health
Classification: Uncertain significance for Hereditary cancer-predisposing syndrome. Last evaluated: 2023-12-05. Review status: criteria provided, single submitter. Criteria: ACMG Guidelines, 2015. Collection method: clinical testing. Allele origin: germline.
Comment: This missense variant replaces aspartic acid with valine at codon 1868 of the APC protein. Computational prediction suggests that this variant may not impact protein structure and function (internally defined REVEL score threshold <= 0.5, PMID: 27666373). To our knowledge, functional studies have not been reported for this variant. This variant has not been reported in individuals affected with APC-related disorders in the literature. This variant has been identified in 1/250918 chromosomes in the general population by the Genome Aggregation Database (gnomAD). The available evidence is insufficient to determine the role of this variant in disease conclusively. Therefore, this variant is classified as a Variant of Uncertain Significance.

GeneDx
Classification: Uncertain significance. Last evaluated: 2023-07-25. Review status: criteria provided, single submitter. Criteria: GeneDx Variant Classification Process June 2021. Collection method: clinical testing. Allele origin: germline. Affected: yes.
Comment: Not observed at significant frequency in large population cohorts (gnomAD); In silico analysis supports that this missense variant does not alter protein structure/function; Has not been previously published as pathogenic or benign to our knowledge; This variant is associated with the following publications: (PMID: 18199528)

Labcorp Genetics (formerly Invitae), Labcorp
Classification: Uncertain significance for Familial adenomatous polyposis 1. Last evaluated: 2023-06-23. Review status: criteria provided, single submitter. Criteria: Invitae Variant Classification Sherloc (09022015). Collection method: clinical testing. Allele origin: germline.
Comment: This sequence change replaces aspartic acid, which is acidic and polar, with valine, which is neutral and non-polar, at codon 1868 of the APC protein (p.Asp1868Val). This variant is present in population databases (rs781026376, gnomAD 0.003%). This variant has not been reported in the literature in individuals affected with APC-related conditions. ClinVar contains an entry for this variant (Variation ID: 482522). Advanced modeling of protein sequence and biophysical properties (such as structural, functional, and spatial information, amino acid conservation, physicochemical variation, residue mobility, and thermodynamic stability) performed at Invitae indicates that this missense variant is not expected to disrupt APC protein function. In summary, the available evidence is currently insufficient to determine the role of this variant in disease. Therefore, it has been classified as a Variant of Uncertain Significance.

Ambry Genetics
Classification: Uncertain significance for Hereditary cancer-predisposing syndrome. Last evaluated: 2022-01-06. Review status: criteria provided, single submitter. Criteria: Ambry Variant Classification Scheme 2023. Collection method: clinical testing. Allele origin: germline.
Comment: The p.D1868V variant (also known as c.5603A>T), located in coding exon 15 of the APC gene, results from an A to T substitution at nucleotide position 5603. The aspartic acid at codon 1868 is replaced by valine, an amino acid with highly dissimilar properties. This amino acid position is well conserved in available vertebrate species. In addition, in silico predictors for this gene do not accurately predict pathogenicity. Since supporting evidence is limited at this time, the clinical significance of this alteration remains unclear.